The following is an entry in ClinVar:

ClinVar aggregate classification (germline): Conflicting classifications of pathogenicity. Review status: criteria provided, conflicting classifications (1 of 4 stars). 2 submissions from 2 submitters: Likely pathogenic (1); Uncertain significance (1). Last evaluated 2026-09-01.

Submissions (2):

GeneDx
Classification: Likely pathogenic. Last evaluated: 2026-09-01. Review status: criteria provided, single submitter. Criteria: GeneDx Variant Classification Process June 2021. Collection method: clinical testing. Allele origin: germline.
Comment: Reported with a second variant in patients with hearing loss referred for genetic testing at GeneDx and in published literature (PMID: 40004452); phase is not known in some cases; Intronic variant directly or indirectly altering the +5 splice site in a gene for which loss of function is a known mechanism of disease, and splice predictors support a deleterious effect; This variant is associated with the following publications: (PMID: 40004452)

Blueprint Genetics
Classification: Uncertain significance. Last evaluated: 2021-02-26. Review status: criteria provided, single submitter. Criteria: ACMG Guidelines, 2015. Collection method: clinical testing. Allele origin: germline.

NM_001378609.3(OTOGL):c.5407+3_5407+6del

Gene: OTOGL (otogelin like; plus strand). Cytogenetic location: 12q21.31.
Variant type: Deletion.
Coding change: c.5407+3_5407+6del on transcript NM_001378609.3 (MANE Select); bases 3 to 6 of the intron after coding-DNA position 5407, 4 bases deleted (GAGT; older notation c.5407+3_5407+6delGAGT).
Molecular consequence: splice donor variant.
Genome position (GRCh38, 1-based): chr12:80,352,439-80,352,442, GAGT deleted; deleting any 4 consecutive bases within chr12:80,352,437-80,352,442 gives the same sequence; the c. name uses the placement nearest the transcript's 3' end. VCF-style (leftmost placement, unchanged base first): chr12-80352436-TGTGA-T. GRCh37 (hg19) VCF-style: chr12-80746216-TGTGA-T.
Other names: c.5272+3_5272+6del (NM_001368062.3); c.5407+3_5407+6del (NM_001378610.3, NM_173591.7).
Identifiers: ClinVar variation 2500681 (VCV002500681.3), dbSNP rs762459214, ClinGen allele CA6701690.
Genomic context (GRCh38, chr12:80,352,436, plus strand): 5'-TATGTGGCTCTGTGCAACAAGTTTGATATCTGTATTCAGTGGAGAACACCTGATTACTGC[TGTGA>T]GTAACTGTTAACTGAATATTTTTCCATCATAAATAAATTTCACTTTTGCAATCACTTCTT-3'